The following is an entry in ClinVar:

NM_199420.4(POLQ):c.1274G>A (p.Arg425Lys)

Gene: POLQ (DNA polymerase theta; minus strand). Cytogenetic location: 3q13.33.
Variant type: single nucleotide variant.
Coding change: c.1274G>A on transcript NM_199420.4 (MANE Select); coding-DNA position 1274, G replaced by A.
Protein change: p.Arg425Lys; replaces arginine 425 with lysine.
Molecular consequence: missense variant.
Genome position (GRCh38, 1-based): chr3:121,520,065, C>T on the plus strand (G>A on the coding strand, the complement: POLQ is on the minus strand). VCF-style: chr3-121520065-C-T. GRCh37 (hg19) VCF-style: chr3-121238912-C-T.
Other names: short protein forms R425K.
Identifiers: ClinVar variation 1766217 (VCV001766217.2), dbSNP rs1451587342, ClinGen allele CA354119978.

ClinVar aggregate classification (germline): Uncertain significance (1 of 4 stars; one submission).

gnomAD v4.1: 3 of 1,611,152 alleles (0.00019%); highest among the groups gnomAD compares: Non-Finnish European, 0.00025%; no homozygotes.

Submission:

Ambry Genetics
Classification: Uncertain significance. Last evaluated: 2021-08-05. Review status: criteria provided, single submitter. Criteria: Ambry Variant Classification Scheme 2023. Collection method: clinical testing. Allele origin: germline.
Comment: The p.R425K variant (also known as c.1274G>A), located in coding exon 9 of the POLQ gene, results from a G to A substitution at nucleotide position 1274. The arginine at codon 425 is replaced by lysine, an amino acid with highly similar properties. This amino acid position is conserved. In addition, this alteration is predicted to be deleterious by in silico analysis. Since supporting evidence is limited at this time, the clinical significance of this alteration remains unclear.